The following is an entry in ClinVar:

ClinVar aggregate classification (germline): Pathogenic/Likely pathogenic. Review status: criteria provided, multiple submitters, no conflicts (2 of 4 stars). 5 submissions from 5 submitters: Pathogenic (3); Likely pathogenic (1). 1 of the submissions does not count toward it. Last evaluated 2026-02-02.

Conditions:
Propionic acidemia (PROP). Also called: GLYCINEMIA, KETOTIC; HYPERGLYCINEMIA WITH KETOACIDOSIS AND LEUKOPENIA; KETOTIC HYPERGLYCINEMIA. Identifiers: Orphanet 35, MedGen C0268579, MONDO:0011628, OMIM 606054, HP:0003571.
PCCA-related disorder. Also called: PCCA-related condition.

Allele frequency attached by ClinVar (database versions not stated): TOPMed below 0.00001; gnomAD 0.00001; gnomAD exomes 0.00003 and 0.00008; ExAC 0.00012.
gnomAD v4.1: 38 of 1,611,116 alleles (0.0024%); highest among the groups gnomAD compares: Non-Finnish European, 0.0031%; no homozygotes.

Submissions (5):

Labcorp Genetics (formerly Invitae), Labcorp
Classification: Pathogenic for Propionic acidemia. Last evaluated: 2026-02-02. Review status: criteria provided, single submitter. Criteria: Invitae Variant Classification Sherloc (09022015). Collection method: clinical testing. Allele origin: germline.
Comment: This sequence change affects an acceptor splice site in intron 22 of the PCCA gene. It is expected to disrupt RNA splicing. Variants that disrupt the donor or acceptor splice site typically lead to a loss of protein function (PMID: 16199547), and loss-of-function variants in PCCA are known to be pathogenic (PMID: 15464417). This variant is present in population databases (rs776281864, gnomAD 0.02%). Disruption of this splice site has been observed in individual(s) with propionic acidemia (PMID: 12559849, 15235904). ClinVar contains an entry for this variant (Variation ID: 552574). Algorithms developed to predict the effect of sequence changes on RNA splicing suggest that this variant may disrupt the consensus splice site. For these reasons, this variant has been classified as Pathogenic.

Natera, Inc.
Classification: Likely pathogenic for Propionic acidemia. Last evaluated: 2025-03-10. Review status: criteria provided, single submitter. Criteria: Natera Variant Classification Schema (03/2026). Collection method: clinical testing. Allele origin: germline.
Comment: The c.2041-2A>G variant in PCCA is a canonical splice acceptor site variant predicted to affect pre-mRNA splicing, which may result in an abnormal transcript and altered protein product. This variant may result in a truncated or dysfunctional protein product. This variant is rare in the general population with a frequency below the threshold expected for the associated phenotype(s). This variant has been observed in one or more individuals affected with the associated recessive disease, as either homozygous or compound heterozygous with a second variant (PMID: 12559849, 31916709, 31757659). Additionally, this variant has been observed to segregate in affected family members (PMID: 31916709). Functional studies show that this variant may disrupt protein function (PMID: 15235904). Given the available evidence, this variant is classified as Likely Pathogenic.

Blueprint Genetics
Classification: Pathogenic for PCCA-related disorders. Last evaluated: 2024-06-25. Review status: criteria provided, single submitter. Criteria: ACMG Guidelines, 2015. Collection method: clinical testing. Allele origin: germline. Affected: yes. Observed: 4 variant alleles.

Women's Health and Genetics/Laboratory Corporation of America, LabCorp
Classification: Pathogenic for Propionic acidemia. Last evaluated: 2022-04-05. Review status: criteria provided, single submitter. Criteria: LabCorp Variant Classification Summary - May 2015. Collection method: clinical testing. Allele origin: germline.
Comment: Variant summary: PCCA c.2041-2A>G is located in a canonical splice-site and is predicted to affect mRNA splicing resulting in a significantly altered protein due to either exon skipping, shortening, or inclusion of intronic material. Several computational tools predict a significant impact on normal splicing: Three predict the variant abolishes the canonical 3' splice acceptor site. At least one publication reports experimental evidence that this variant affects mRNA splicing resulting in skipping of exon 23 (Perez_2004 and Clavero_2004). The variant allele was found at a frequency of 7.6e-05 in 251472 control chromosomes. This frequency is not significantly higher than estimated for a pathogenic variant in PCCA causing Propionic Acidemia (7.6e-05 vs 0.0022), allowing no conclusion about variant significance. c.2041-2A>G has been reported in the literature in multiple individuals affected with Propionic Acidemia (example, Perez_2003, Pillai_2019, Pend_2019, Kor_2019). These data indicate that the variant is very likely to be associated with disease. At least one publication reports experimental evidence evaluating an impact on protein function. The most pronounced variant effect results in <10% of normal activity (Clavero_2004). Two clinical diagnostic laboratories have submitted clinical-significance assessments for this variant to ClinVar after 2014 without evidence for independent evaluation. All laboratories classified the variant as pathogenic/likely pathogenic. Based on the evidence outlined above, the variant was classified as pathogenic.

Counsyl
Classification: Likely pathogenic for Propionic acidemia. Last evaluated: 2017-06-15. Review status: no assertion criteria provided. Collection method: clinical testing. Allele origin: unknown. Not counted in ClinVar's aggregate classification.

Literature cited by the submitters: PubMed 16199547 (cited by Labcorp Genetics (formerly Invitae), Labcorp); PubMed 15464417 (cited by Labcorp Genetics (formerly Invitae), Labcorp); PubMed 12559849 (cited by 4 submitters); PubMed 15235904 (cited by 4 submitters); PubMed 31916709 (cited by Natera, Inc. and Women's Health and Genetics/Laboratory Corporation of America, LabCorp); PubMed 31757659 (cited by Natera, Inc. and Women's Health and Genetics/Laboratory Corporation of America, LabCorp); PubMed 30209273 (cited by Women's Health and Genetics/Laboratory Corporation of America, LabCorp).

NM_000282.4(PCCA):c.2041-2A>G

Gene: PCCA (propionyl-CoA carboxylase subunit alpha; plus strand). Cytogenetic location: 13q32.3.
Variant type: single nucleotide variant.
Coding change: c.2041-2A>G on transcript NM_000282.4 (MANE Select); the canonical splice acceptor site of the intron before coding-DNA position 2041, A replaced by G.
Molecular consequence: splice acceptor variant.
Genome position (GRCh38, 1-based): chr13:100,527,673, A>G. VCF-style: chr13-100527673-A-G. GRCh37 (hg19) VCF-style: chr13-101179927-A-G.
Other names: c.1900-2A>G (NM_001178004.2); c.1987-2A>G (NM_001352605.2); c.1897-2A>G (NM_001352606.2); c.1096-2A>G (NM_001352610.2); c.1042-2A>G (NM_001352611.2); c.952-2A>G (NM_001352612.2); c.1963-2A>G (NM_001127692.3); c.1822-2A>G (NM_001352607.2); and 1 more.
Identifiers: ClinVar variation 552574 (VCV000552574.18), dbSNP rs776281864, ClinGen allele CA7033893.
Genomic context (GRCh38, chr13:100,527,673, plus strand): 5'-TTCCTAAGTGTTAATGCAAAATTAGAATGCTTTTAAAACTTCTGCCCATTTTTGTTTTCC[A>G]GGTAGCAGAAGGTCAAGAAATTTGTGTGATTGAAGCCATGAAAATGCAGAATAGTATGAC-3'